The following is an entry in ClinVar:

NM_000179.3(MSH6):c.650A>G (p.Asp217Gly)

Gene: MSH6 (mutS homolog 6; plus strand). Cytogenetic location: 2p16.3.
Variant type: single nucleotide variant.
Coding change: c.650A>G on transcript NM_000179.3 (MANE Select); coding-DNA position 650, A replaced by G.
Protein change: p.Asp217Gly; replaces aspartic acid 217 with glycine.
Molecular consequence: missense variant. On other transcripts: 5 prime UTR variant (2).
Genome position (GRCh38, 1-based): chr2:47,798,633, A>G. VCF-style: chr2-47798633-A-G. GRCh37 (hg19) VCF-style: chr2-48025772-A-G.
Other names: p.D217G:GAT>GGT; c.260A>G, p.Asp87Gly (NM_001281492.2); c.-257A>G (NM_001281493.2, NM_001281494.2); short protein forms D217G, D87G.
Identifiers: ClinVar variation 142305 (VCV000142305.48), dbSNP rs554012110, ClinGen allele CA016133.
Genomic context (GRCh38, chr2:47,798,633, plus strand): 5'-TTTGATTTGTTTTTAAATACTCTTTCCTTGCCTGGCAGGTAGGCACAACTTACGTAACAG[A>G]TAAGAGTGAAGAAGATAATGAAATTGAGAGTGAAGAGGAAGTACAGCCTAAGACACAAGG-3'
Protein context (NP_000170.1, residues 207-227): EMEVGTTYVT[Asp217Gly]KSEEDNEIES

ClinVar aggregate classification (germline): Conflicting classifications of pathogenicity. Review status: criteria provided, conflicting classifications (1 of 4 stars). 17 submissions from 17 submitters: Uncertain significance (7); Benign (2); Likely benign (6). 2 of the submissions do not count toward it. Last evaluated 2026-02-03.

Conditions:
MSH6-related disorder. Also called: MSH6-Related disorders; MSH6-related condition.
Hereditary nonpolyposis colon cancer (HNPCC). Also called: Hereditary nonpolyposis colorectal cancer; Familial nonpolyposis colon cancer; Hereditary Nonpolyposis Colorectal Cancer Syndrome. Identifiers: Orphanet 443909, MedGen C1333990, MONDO:0018630. Disease mechanism: loss of function.
Hereditary nonpolyposis colorectal neoplasms. Identifiers: MedGen C0009405, MeSH D003123.
Hereditary cancer-predisposing syndrome. Also called: Tumor predisposition; Neoplastic Syndromes, Hereditary; Hereditary neoplastic syndrome; Hereditary Cancer Syndrome. Identifiers: Orphanet 140162, MedGen C0027672, MeSH D009386, MONDO:0015356.
Lynch syndrome. Identifiers: Orphanet 144, MedGen C4552100, MONDO:0005835. Disease mechanism: loss of function.
Lynch syndrome 5 (LYNCH5). Also called: Colorectal cancer, hereditary nonpolyposis, type 5; Hereditary non-polyposis colorectal cancer, type 5. Identifiers: Orphanet 144, MedGen C1833477, MONDO:0013710, OMIM 614350. Disease mechanism: loss of function.
Malignant tumor of breast. Also called: Malignant breast neoplasm; Cancer breast. Identifiers: MedGen C0006142, MONDO:0007254. Disease mechanism: loss of function.

Allele frequency attached by ClinVar (database versions not stated): gnomAD exomes 0.00007 and 0.00008; ExAC 0.00008; gnomAD 0.00011 and 0.00013; TOPMed 0.00015; 1000 Genomes Project 30x 0.00016; 1000 Genomes Project 0.00020.
gnomAD v4.1: 123 of 1,611,776 alleles (0.0076%); highest among the groups gnomAD compares: African/African-American, 0.051%; no homozygotes.

Submissions 1 to 10 of 17:

Labcorp Genetics (formerly Invitae), Labcorp
Classification: Likely benign for Hereditary nonpolyposis colorectal neoplasms. Last evaluated: 2026-02-03. Review status: criteria provided, single submitter. Criteria: Invitae Variant Classification Sherloc (09022015). Collection method: clinical testing. Allele origin: germline.

PreventionGenetics, part of Exact Sciences
Classification: Likely benign for MSH6-related condition. Last evaluated: 2026-01-28. Review status: criteria provided, single submitter. Criteria: ACMG Guidelines, 2015. Collection method: clinical testing. Allele origin: germline.
Comment: This variant is classified as likely benign based on ACMG/AMP sequence variant interpretation guidelines (Richards et al. 2015 PMID: 25741868, with internal and published modifications).

Women's Health and Genetics/Laboratory Corporation of America, LabCorp
Classification: Likely benign. Last evaluated: 2025-11-11. Review status: criteria provided, single submitter. Criteria: LabCorp Variant Classification Summary - May 2015. Collection method: clinical testing. Allele origin: germline.
Comment: Variant summary: MSH6 c.650A>G (p.Asp217Gly) results in a non-conservative amino acid change in the encoded protein sequence. Algorithms developed to predict the effect of missense changes on protein structure and function are either unavailable or do not agree on the potential impact of this missense change. The variant allele was found at a frequency of 7.6e-05 in 1611776 control chromosomes, predominantly at a frequency of 0.00051 within the African or African-American subpopulation in the gnomAD database. The observed variant frequency within African or African-American control individuals in the gnomAD database exceeds the estimated maximal expected allele frequency for disease-causing variants in MSH6. c.650A>G has been reported in the literature as a VUS/Benign variant in individuals affected with ovarian cancer, pediatric cancer, colorectal cancer, breast cancer (e.g., Pal_2012, Zhang_2015, DeRycke_2017, Guindalini_2022) or in non-cancer controls (e.g. Okawa_2023). These report(s) do not provide unequivocal conclusions about association of the variant with Hereditary Nonpolyposis Colorectal Cancer. To our knowledge, no experimental evidence demonstrating an impact on protein function has been reported. The following publications have been ascertained in the context of this evaluation (PMID: 28944238, 35264596, 36243179, 23047549, 26580448, 35449176). ClinVar contains an entry for this variant (Variation ID: 142305). Based on the evidence outlined above, the variant was classified as likely benign.

Quest Diagnostics Nichols Institute San Juan Capistrano
Classification: Uncertain significance. Last evaluated: 2025-10-23. Review status: criteria provided, single submitter. Criteria: Quest Diagnostics criteria. Collection method: clinical testing. Allele origin: unknown.
Comment: The MSH6 c.650A>G (p.Asp217Gly) variant has been reported in individuals with colorectal cancer (PMID: 28944238 (2017)), ovarian cancer (PMID: 23047549 (2012)), leukemia (PMID: 26580448 (2015)), and melanoma (29684080 (2018)). This variant has also been identified in individuals with breast cancer (PMID: 35449176 (2022), 35264596 (2022), 32885271 (2021), 33471991 (2021), see also LOVD), as well as reportedly unaffected individuals (PMID: 36243179 (2022), 33471991 (2021), see also LOVD). The frequency of this variant in the general population (Genome Aggregation Database) is uninformative in the assessment of its pathogenicity. Analysis of this variant using bioinformatics tools for the prediction of the effect of amino acid changes on protein structure and function yielded predictions that this variant is benign. Additional analysis using software algorithms for the prediction of the effect of nucleotide changes on MSH6 mRNA splicing yielded predictions that this variant may result in the gain of a cryptic splice site without affecting the natural splice sites. Based on the available information, we are unable to determine the clinical significance of this variant.

Center for Genomic Medicine, Rigshospitalet, Copenhagen University Hospital
Classification: Likely benign. Last evaluated: 2025-03-04. Review status: criteria provided, single submitter. Criteria: ACMG Guidelines, 2015. Collection method: clinical testing. Allele origin: germline.

Color Diagnostics, LLC DBA Color Health
Classification: Benign for Hereditary cancer-predisposing syndrome. Last evaluated: 2025-02-11. Review status: criteria provided, single submitter. Criteria: ACMG Guidelines, 2015. Collection method: clinical testing. Allele origin: germline.

Myriad Genetics, Inc.
Classification: Benign for Lynch syndrome 5. Last evaluated: 2024-12-19. Review status: criteria provided, single submitter. Criteria: Myriad Autosomal Dominant, Autosomal Recessive and X-Linked Classification Criteria (2023). Collection method: clinical testing. Allele origin: unknown.
Comment: This variant is considered benign. This variant is strongly associated with less severe personal and family histories of cancer, typical for individuals without pathogenic variants in this gene [PMID: 27363726]. Homozygosity for this variant has been confirmed in one or more individuals lacking clinical features consistent with gene-specific recessive disease, indicating that this variant is unlikely to be pathogenic.

Blueprint Genetics
Classification: Uncertain significance. Last evaluated: 2024-09-30. Review status: criteria provided, single submitter. Criteria: ACMG Guidelines, 2015. Collection method: clinical testing. Allele origin: germline.

All of Us Research Program, National Institutes of Health
Classification: Uncertain significance for Lynch syndrome. Last evaluated: 2024-08-06. Review status: criteria provided, single submitter. Criteria: ACMG Guidelines, 2015. Collection method: clinical testing. Allele origin: germline. Inheritance: Autosomal dominant inheritance. Observed: 13 variant alleles, 13 heterozygotes.
Comment: This missense variant replaces aspartic acid with glycine at codon 217 of the MSH6 protein. Computational prediction suggests that this variant may not impact protein structure and function (internally defined REVEL score threshold <= 0.5, PMID: 27666373). To our knowledge, functional studies have not been reported for this variant. This variant has been observed in individuals affected with ovarian cancer (PMID: 23047549), colorectal cancer (PMID: 28944238), melanoma (PMID: 29684080), or childhood-onset leukemia (PMID: 26580448). This variant has been identified in 20/279280 chromosomes in the general population by the Genome Aggregation Database (gnomAD). The available evidence is insufficient to determine the role of this variant in disease conclusively. Therefore, this variant is classified as a Variant of Uncertain Significance.

This study involves interpretation of variants in research participants for the purpose of population health screening. Participant phenotype was not available at the time of variant classification. Additional details can be found in publication PMID: 35346344, PMCID: PMC8962531

St. Jude Molecular Pathology, St. Jude Children's Research Hospital
Classification: Uncertain significance for Lynch syndrome 5. Last evaluated: 2024-06-10. Review status: criteria provided, single submitter. Criteria: St. Jude Assertion Criteria 2020. Collection method: clinical testing. Allele origin: germline.
Comment: The MSH6 c.650A>G (p.Asp217Gly) missense change has a maximum subpopulation frequency of 0.03% in gnomAD v2.1.1. The in silico tool REVEL predicts a benign effect on protein function, but this prediction has not been confirmed by functional studies. This variant has not been reported in individuals with Lynch syndrome or constitutional mismatch repair deficiency. In summary, the evidence currently available is insufficient to determine the clinical significance of this variant. It has therefore been classified as of uncertain significance.